The following is an entry in ClinVar:

ClinVar aggregate classification (germline): Uncertain significance (0 of 4 stars; one submission).

Allele frequency attached by ClinVar (database versions not stated): gnomAD exomes 0.00001; gnomAD 0.00001; ESP Exome Variant Server 0.00008; TOPMed below 0.00001; ExAC 0.00001.
gnomAD v4.1: 10 of 1,613,782 alleles (0.00062%); highest among the groups gnomAD compares: Non-Finnish European, 0.00085%; no homozygotes.

Submission:

Martin Pollak Laboratory,  Beth Israel Deaconess Medical Center
Classification: Uncertain significance. Review status: no assertion criteria provided. Collection method: not provided. Allele origin: unknown.
Comment: Higher UCa2+ group
ClinVar note: Converted during submission from unknown to Uncertain significance.

NM_032387.5(WNK4):c.1222A>T (p.Ile408Phe)

Gene: WNK4 (WNK lysine deficient protein kinase 4; plus strand). Cytogenetic location: 17q21.2.
Variant type: single nucleotide variant.
Coding change: c.1222A>T on transcript NM_032387.5 (MANE Select); coding-DNA position 1222, A replaced by T.
Protein change: p.Ile408Phe; replaces isoleucine 408 with phenylalanine.
Molecular consequence: missense variant. On other transcripts: intron variant (1).
Genome position (GRCh38, 1-based): chr17:42,785,148, A>T. VCF-style: chr17-42785148-A-T. GRCh37 (hg19) VCF-style: chr17-40937166-A-T.
Other names: c.252-118A>T (NM_001321299.2); short protein forms I408F.
Identifiers: ClinVar variation 64594 (VCV000064594.2), dbSNP rs369420670, ClinGen allele CA216474.